The following is an entry in ClinVar:

ClinVar aggregate classification (germline): Conflicting classifications of pathogenicity. Review status: criteria provided, conflicting classifications (1 of 4 stars). 3 submissions from 3 submitters: Uncertain significance (1); Likely benign (2). Last evaluated 2026-02-04.

Conditions:
Nemaline myopathy 2 (NEM2). Also called: Nemaline myopathy 2, autosomal recessive. Identifiers: MedGen C1850569, MONDO:0009725, OMIM 256030.

Allele frequency attached by ClinVar (database versions not stated): TOPMed 0.00031; 1000 Genomes Project 0.00040; gnomAD 0.00040 and 0.00042; 1000 Genomes Project 30x 0.00047; ESP Exome Variant Server 0.00059; gnomAD exomes 0.00002 and 0.00006; ExAC 0.00013.
gnomAD v4.1: 84 of 1,609,582 alleles (0.0052%); highest among the groups gnomAD compares: African/African-American, 0.11%; no homozygotes.

Submissions (3):

Labcorp Genetics (formerly Invitae), Labcorp
Classification: Likely benign for Nemaline myopathy 2. Last evaluated: 2026-02-04. Review status: criteria provided, single submitter. Criteria: Invitae Variant Classification Sherloc (09022015). Collection method: clinical testing. Allele origin: germline.

Illumina Laboratory Services, Illumina
Classification: Uncertain significance for Nemaline myopathy 2. Last evaluated: 2018-01-13. Review status: criteria provided, single submitter. Criteria: ICSL Variant Classification Criteria 13 December 2019. Collection method: clinical testing. Allele origin: germline.

GeneDx
Classification: Likely benign. Last evaluated: 2016-08-16. Review status: criteria provided, single submitter. Criteria: GeneDx Variant Classification (06012015). Collection method: clinical testing. Allele origin: germline. Affected: yes.
Comment: This variant is considered likely benign or benign based on one or more of the following criteria: it is a conservative change, it occurs at a poorly conserved position in the protein, it is predicted to be benign by multiple in silico algorithms, and/or has population frequency not consistent with disease.

NM_001164508.2(NEB):c.2107-8C>T

Gene: NEB (nebulin; minus strand). Cytogenetic location: 2q23.3.
Variant type: single nucleotide variant.
Coding change: c.2107-8C>T on transcript NM_001164508.2 (MANE Select); 8 bases into the intron before coding-DNA position 2107, C replaced by T.
Molecular consequence: intron variant.
Genome position (GRCh38, 1-based): chr2:151,691,976, G>A on the plus strand (C>T on the coding strand, the complement: NEB is on the minus strand). VCF-style: chr2-151691976-G-A. GRCh37 (hg19) VCF-style: chr2-152548490-G-A.
Other names: c.2107-8C>T (NM_004543.5, NM_001164507.2, NM_001271208.2).
Identifiers: ClinVar variation 388191 (VCV000388191.16), dbSNP rs369441230, ClinGen allele CA1911317.